The following is an entry in ClinVar:

ClinVar aggregate classification (germline): Uncertain significance. Review status: criteria provided, multiple submitters, no conflicts (2 of 4 stars). 2 submissions from 2 submitters: Uncertain significance (2). Last evaluated 2025-04-22.

Conditions:
TBX3-related disorder. Also called: TBX3-related condition.
Inborn genetic diseases. Identifiers: MedGen C0950123, MeSH D030342.

Allele frequency attached by ClinVar (database versions not stated): gnomAD exomes below 0.00001; gnomAD 0.00002; TOPMed 0.00004.

Submissions (2):

PreventionGenetics, part of Exact Sciences
Classification: Uncertain significance for TBX3-related condition. Last evaluated: 2025-04-22. Review status: criteria provided, single submitter. Criteria: ACMG Guidelines, 2015. Collection method: clinical testing. Allele origin: germline.
Comment: The TBX3 c.1261C>T variant is predicted to result in the amino acid substitution p.Arg421Trp. To our knowledge, this variant has not been reported in the literature or in a large population database, indicating this variant is rare. At this time, the clinical significance of this variant is uncertain due to the absence of conclusive functional and genetic evidence.

Ambry Genetics
Classification: Uncertain significance for Inborn genetic diseases. Last evaluated: 2023-10-05. Review status: criteria provided, single submitter. Criteria: Ambry Variant Classification Scheme 2023. Collection method: clinical testing. Allele origin: germline.

NM_005996.4(TBX3):c.1201C>T (p.Arg401Trp)

Gene: TBX3 (T-box transcription factor 3; minus strand). Cytogenetic location: 12q24.21.
Variant type: single nucleotide variant.
Coding change: c.1201C>T on transcript NM_005996.4 (MANE Select); coding-DNA position 1201, C replaced by T.
Protein change: p.Arg401Trp; replaces arginine 401 with tryptophan.
Molecular consequence: missense variant.
Genome position (GRCh38, 1-based): chr12:114,674,674, G>A on the plus strand (C>T on the coding strand, the complement: TBX3 is on the minus strand). VCF-style: chr12-114674674-G-A. GRCh37 (hg19) VCF-style: chr12-115112479-G-A.
Other names: c.1261C>T (NM_016569.3); c.1261C>T, p.Arg421Trp (NM_016569.4); short protein forms R401W, R421W.
Identifiers: ClinVar variation 3174964 (VCV003174964.3), dbSNP rs912240752, ClinGen allele CA244143901.